The following is an entry in ClinVar:

ClinVar aggregate classification (germline): Uncertain significance. Review status: criteria provided, multiple submitters, no conflicts (2 of 4 stars). 2 submissions from 2 submitters: Uncertain significance (2). Last evaluated 2024-01-08.

Conditions:
Inborn genetic diseases. Identifiers: MedGen C0950123, MeSH D030342.

Allele frequency attached by ClinVar (database versions not stated): TOPMed below 0.00001; gnomAD exomes 0.00002; ExAC 0.00003.
gnomAD v4.1: 10 of 1,597,358 alleles (0.00063%); highest among the groups gnomAD compares: Admixed American, 0.016%; no homozygotes.

Submissions (2):

Ambry Genetics
Classification: Uncertain significance for Inborn genetic diseases. Last evaluated: 2024-01-08. Review status: criteria provided, single submitter. Criteria: Ambry Variant Classification Scheme 2023. Collection method: clinical testing. Allele origin: germline.

Labcorp Genetics (formerly Invitae), Labcorp
Classification: Uncertain significance. Last evaluated: 2022-08-20. Review status: criteria provided, single submitter. Criteria: Invitae Variant Classification Sherloc (09022015). Collection method: clinical testing. Allele origin: germline.
Comment: This sequence change replaces isoleucine, which is neutral and non-polar, with threonine, which is neutral and polar, at codon 1470 of the ASPM protein (p.Ile1470Thr). This variant is present in population databases (rs747854626, gnomAD 0.03%). This variant has not been reported in the literature in individuals affected with ASPM-related conditions. Algorithms developed to predict the effect of missense changes on protein structure and function (SIFT, PolyPhen-2, Align-GVGD) all suggest that this variant is likely to be tolerated. In summary, the available evidence is currently insufficient to determine the role of this variant in disease. Therefore, it has been classified as a Variant of Uncertain Significance.

NM_018136.5(ASPM):c.4409T>C (p.Ile1470Thr)

Gene: ASPM (assembly factor for spindle microtubules; minus strand). Cytogenetic location: 1q31.3.
Variant type: single nucleotide variant.
Coding change: c.4409T>C on transcript NM_018136.5 (MANE Select); coding-DNA position 4409, T replaced by C.
Protein change: p.Ile1470Thr; replaces isoleucine 1470 with threonine.
Molecular consequence: missense variant. On other transcripts: intron variant (1).
Genome position (GRCh38, 1-based): chr1:197,104,842, A>G on the plus strand (T>C on the coding strand, the complement: ASPM is on the minus strand). VCF-style: chr1-197104842-A-G. GRCh37 (hg19) VCF-style: chr1-197073972-A-G.
Other names: c.4066-8678T>C (NM_001206846.2); c.4409T>C (NM_018136.4); short protein forms I1470T.
Identifiers: ClinVar variation 2002690 (VCV002002690.2), dbSNP rs747854626, ClinGen allele CA1309937.